The following is an entry in ClinVar:

NM_001042492.3(NF1):c.7657G>T (p.Ala2553Ser)

Gene: NF1 (neurofibromin 1; plus strand). Cytogenetic location: 17q11.2.
Variant type: single nucleotide variant.
Coding change: c.7657G>T on transcript NM_001042492.3 (MANE Select); coding-DNA position 7657, G replaced by T.
Protein change: p.Ala2553Ser; replaces alanine 2553 with serine.
Molecular consequence: missense variant.
Genome position (GRCh38, 1-based): chr17:31,356,501, G>T. VCF-style: chr17-31356501-G-T. GRCh37 (hg19) VCF-style: chr17-29683519-G-T.
Other names: c.7594G>T, p.Ala2532Ser (NM_000267.4); short protein forms A2553S, A2532S.
Identifiers: ClinVar variation 841022 (VCV000841022.11), dbSNP rs1555536644, ClinGen allele CA399018063.

ClinVar aggregate classification (germline): Uncertain significance. Review status: criteria provided, multiple submitters, no conflicts (2 of 4 stars). 3 submissions from 3 submitters: Uncertain significance (3). Last evaluated 2026-04-08.

Conditions:
Hereditary cancer-predisposing syndrome. Also called: Tumor predisposition; Neoplastic Syndromes, Hereditary; Hereditary neoplastic syndrome; Hereditary Cancer Syndrome. Identifiers: Orphanet 140162, MedGen C0027672, MeSH D009386, MONDO:0015356.
Cardiovascular phenotype. Identifiers: MedGen CN230736.
Neurofibromatosis, type 1 (NF1). Also called: Peripheral type neurofibromatosis; Neurofibromatosis, type I; NEUROFIBROMATOSIS, TYPE I, SOMATIC; VON RECKLINGHAUSEN DISEASE. Identifiers: Orphanet 636, MedGen C0027831, MONDO:0018975, OMIM 162200. Disease mechanism: loss of function.

gnomAD v4.1: 2 of 1,613,702 alleles (0.00012%); highest among the groups gnomAD compares: Non-Finnish European, 0.00017%; no homozygotes.

Submissions (3):

Ambry Genetics
Classification: Uncertain significance for Cardiovascular phenotype; Hereditary cancer-predisposing syndrome. Last evaluated: 2026-04-08. Review status: criteria provided, single submitter. Criteria: Ambry Variant Classification Scheme 2023. Collection method: clinical testing. Allele origin: germline.

Labcorp Genetics (formerly Invitae), Labcorp
Classification: Uncertain significance for Neurofibromatosis, type 1. Last evaluated: 2025-02-04. Review status: criteria provided, single submitter. Criteria: Invitae Variant Classification Sherloc (09022015). Collection method: clinical testing. Allele origin: germline.
Comment: This sequence change replaces alanine, which is neutral and non-polar, with serine, which is neutral and polar, at codon 2532 of the NF1 protein (p.Ala2532Ser). This variant is not present in population databases (gnomAD no frequency). This variant has not been reported in the literature in individuals affected with NF1-related conditions. ClinVar contains an entry for this variant (Variation ID: 841022). Invitae Evidence Modeling of protein sequence and biophysical properties (such as structural, functional, and spatial information, amino acid conservation, physicochemical variation, residue mobility, and thermodynamic stability) indicates that this missense variant is not expected to disrupt NF1 protein function with a negative predictive value of 95%. In summary, the available evidence is currently insufficient to determine the role of this variant in disease. Therefore, it has been classified as a Variant of Uncertain Significance.

GeneDx
Classification: Uncertain significance. Last evaluated: 2024-08-23. Review status: criteria provided, single submitter. Criteria: GeneDx Variant Classification Process June 2021. Collection method: clinical testing. Allele origin: germline. Affected: yes.
Comment: Not observed at significant frequency in large population cohorts (gnomAD); In silico analysis indicates that this missense variant does not alter protein structure/function; Has not been previously published as pathogenic or benign to our knowledge; This variant is associated with the following publications: (PMID: 25486365)